The following is an entry in ClinVar:

NM_000260.4(MYO7A):c.2625G>A (p.Ala875=)

Gene: MYO7A (myosin VIIA; plus strand). Cytogenetic location: 11q13.5.
Variant type: single nucleotide variant.
Coding change: c.2625G>A on transcript NM_000260.4 (MANE Select); coding-DNA position 2625, G replaced by A.
Protein change: p.Ala875=; no amino-acid change (alanine 875 retained).
Molecular consequence: synonymous variant.
Genome position (GRCh38, 1-based): chr11:77,180,412, G>A. VCF-style: chr11-77180412-G-A. GRCh37 (hg19) VCF-style: chr11-76891458-G-A.
Other names: c.2625G>A, p.Ala875= (NM_001127180.2); c.2592G>A, p.Ala864= (NM_001369365.1).
Identifiers: ClinVar variation 164682 (VCV000164682.17), dbSNP rs375489617, ClinGen allele CA177384.

ClinVar aggregate classification (germline): Likely benign. Review status: criteria provided, multiple submitters, no conflicts (2 of 4 stars). 4 submissions from 4 submitters: Likely benign (4). Last evaluated 2026-01-17.

Conditions:
MYO7A-related disorder. Also called: MYO7A-related disorders.

Allele frequency attached by ClinVar (database versions not stated): ExAC 0.00007; gnomAD 0.00007; gnomAD exomes 0.00007 and 0.00009; ESP Exome Variant Server 0.00008; TOPMed 0.00009; 1000 Genomes Project 30x 0.00016; 1000 Genomes Project 0.00020.
gnomAD v4.1: 143 of 1,612,300 alleles (0.0089%); highest among the groups gnomAD compares: Admixed American, 0.02%; no homozygotes.

Submissions (4):

Labcorp Genetics (formerly Invitae), Labcorp
Classification: Likely benign. Last evaluated: 2026-01-17. Review status: criteria provided, single submitter. Criteria: Invitae Variant Classification Sherloc (09022015). Collection method: clinical testing. Allele origin: germline.

PreventionGenetics, part of Exact Sciences
Classification: Likely benign for MYO7A-related condition. Last evaluated: 2024-10-10. Review status: criteria provided, single submitter. Criteria: ACMG Guidelines, 2015. Collection method: clinical testing. Allele origin: germline.
Comment: This variant is classified as likely benign based on ACMG/AMP sequence variant interpretation guidelines (Richards et al. 2015 PMID: 25741868, with internal and published modifications).

Blueprint Genetics
Classification: Likely benign. Last evaluated: 2023-05-12. Review status: criteria provided, single submitter. Criteria: ACMG Guidelines, 2015. Collection method: clinical testing. Allele origin: germline.

Laboratory for Molecular Medicine, Mass General Brigham Personalized Medicine
Classification: Likely benign. Last evaluated: 2012-04-30. Review status: criteria provided, single submitter. Criteria: LMM Criteria. Collection method: clinical testing. Allele origin: germline. Observed: 1 variant allele.
Comment: Ala875Ala in Exon 22 of MYO7A: This variant is not expected to have clinical sig nificance because it does not alter an amino acid residue, is not located within the splice consensus sequence, and has been identified in 1/6796 European Ameri can chromosomes from a broad population by the NHLBI Exome Sequencing Project.